The following is an entry in ClinVar:

NM_032119.4(ADGRV1):c.15418A>T (p.Thr5140Ser)

Gene: ADGRV1 (adhesion G protein-coupled receptor V1; plus strand). Cytogenetic location: 5q14.3.
Variant type: single nucleotide variant.
Coding change: c.15418A>T on transcript NM_032119.4 (MANE Select); coding-DNA position 15418, A replaced by T.
Protein change: p.Thr5140Ser; replaces threonine 5140 with serine.
Molecular consequence: missense variant. On other transcripts: non-coding transcript variant (1).
Genome position (GRCh38, 1-based): chr5:90,810,678, A>T. VCF-style: chr5-90810678-A-T. GRCh37 (hg19) VCF-style: chr5-90106495-A-T.
Other names: short protein forms T5140S.
Identifiers: ClinVar variation 1357445 (VCV001357445.8), dbSNP rs377551242, ClinGen allele CA3341918.

ClinVar aggregate classification (germline): Uncertain significance (1 of 4 stars; one submission).

Allele frequency attached by ClinVar (database versions not stated): ESP Exome Variant Server 0.00008.
gnomAD v4.1: 3 of 1,613,868 alleles (0.00019%); highest among the groups gnomAD compares: African/African-American, 0.004%; no homozygotes.

Submission:

Labcorp Genetics (formerly Invitae), Labcorp
Classification: Uncertain significance. Last evaluated: 2021-06-15. Review status: criteria provided, single submitter. Criteria: Invitae Variant Classification Sherloc (09022015). Collection method: clinical testing. Allele origin: germline.
Comment: In summary, the available evidence is currently insufficient to determine the role of this variant in disease. Therefore, it has been classified as a Variant of Uncertain Significance. Algorithms developed to predict the effect of missense changes on protein structure and function are either unavailable or do not agree on the potential impact of this missense change (SIFT: "Deleterious"; PolyPhen-2: "Possibly Damaging"; Align-GVGD: "Class C0"). This variant has not been reported in the literature in individuals with ADGRV1-related conditions. This variant is present in population databases (rs377551242, ExAC 0.01%). This sequence change replaces threonine with serine at codon 5140 of the ADGRV1 protein (p.Thr5140Ser). The threonine residue is moderately conserved and there is a small physicochemical difference between threonine and serine.